The following is an entry in ClinVar:

ClinVar aggregate classification (germline): Conflicting classifications of pathogenicity. Review status: criteria provided, conflicting classifications (1 of 4 stars). 4 submissions from 4 submitters: Uncertain significance (3); Likely benign (1). Last evaluated 2025-11-10.

Conditions:
Dilated cardiomyopathy 1HH (CMD1HH). Identifiers: Orphanet 154, MedGen C3151293, MONDO:0013479, OMIM 613881.
Myofibrillar myopathy 6. Identifiers: Orphanet 199340, MedGen C2751831, MONDO:0013061, OMIM 612954.

Allele frequency attached by ClinVar (database versions not stated): TOPMed 0.00002.
gnomAD v4.1: 22 of 1,610,440 alleles (0.0014%); highest among the groups gnomAD compares: South Asian, 0.0077%; no homozygotes.

Submissions (4):

Labcorp Genetics (formerly Invitae), Labcorp
Classification: Uncertain significance for Dilated cardiomyopathy 1HH; Myofibrillar myopathy 6. Last evaluated: 2025-11-10. Review status: criteria provided, single submitter. Criteria: Invitae Variant Classification Sherloc (09022015). Collection method: clinical testing. Allele origin: germline.
Comment: This sequence change replaces alanine, which is neutral and non-polar, with valine, which is neutral and non-polar, at codon 156 of the BAG3 protein (p.Ala156Val). This variant is present in population databases (rs572038196, gnomAD 0.01%). This variant has not been reported in the literature in individuals affected with BAG3-related conditions. ClinVar contains an entry for this variant (Variation ID: 662194). Invitae Evidence Modeling of protein sequence and biophysical properties (such as structural, functional, and spatial information, amino acid conservation, physicochemical variation, residue mobility, and thermodynamic stability) indicates that this missense variant is not expected to disrupt BAG3 protein function with a negative predictive value of 80%. In summary, the available evidence is currently insufficient to determine the role of this variant in disease. Therefore, it has been classified as a Variant of Uncertain Significance.

Revvity Omics, Revvity
Classification: Uncertain significance. Last evaluated: 2024-06-11. Review status: criteria provided, single submitter. Criteria: ACMG Guidelines, 2015. Collection method: clinical testing. Allele origin: germline.

Blueprint Genetics
Classification: Likely benign. Last evaluated: 2023-12-01. Review status: criteria provided, single submitter. Criteria: ACMG Guidelines, 2015. Collection method: clinical testing. Allele origin: germline.

Center for Genomics, Ann and Robert H. Lurie Children's Hospital of Chicago
Classification: Uncertain significance for Dilated cardiomyopathy 1HH; Myofibrillar myopathy 6. Review status: criteria provided, single submitter. Criteria: ACMG Guidelines, 2015. Collection method: clinical testing. Allele origin: germline.
Comment: BAG3 NM_004281.3 exon 2 p.Ala156Val (c.467C>T): This variant has not been reported in the literature and is present in 0.009% (3/30728) of South Asian alleles in the Genome Aggregation Database. Evolutionary conservation and computational predictive tools suggest that this variant may not impact the protein. In summary, data on this variant is insufficient for disease classification. Therefore, the clinical significance of this variant is uncertain.

NM_004281.4(BAG3):c.467C>T (p.Ala156Val)

Gene: BAG3 (BAG cochaperone 3; plus strand). Cytogenetic location: 10q26.11.
Variant type: single nucleotide variant.
Coding change: c.467C>T on transcript NM_004281.4 (MANE Select); coding-DNA position 467, C replaced by T.
Protein change: p.Ala156Val; replaces alanine 156 with valine.
Molecular consequence: missense variant.
Genome position (GRCh38, 1-based): chr10:119,670,137, C>T. VCF-style: chr10-119670137-C-T. GRCh37 (hg19) VCF-style: chr10-121429649-C-T.
Other names: short protein forms A156V.
Identifiers: ClinVar variation 662194 (VCV000662194.10), dbSNP rs572038196, ClinGen allele CA5716324.
Genomic context (GRCh38, chr10:119,670,137, plus strand): 5'-CACCTCTGCGGGGCATGCCAGAAACCACTCAGCCAGATAAACAGTGTGGACAGGTGGCAG[C>T]GGCGGCGGCAGCCCAGCCCCCAGCCTCCCACGGACCTGAGGTAAGGAGAGGCCAGGCTCA-3'
Protein context (NP_004272.2, residues 146-166): QPDKQCGQVA[Ala156Val]AAAAQPPASH